The following is an entry in ClinVar:

NM_022124.6(CDH23):c.8751C>T (p.Phe2917=)

Gene: CDH23 (cadherin related 23; plus strand). Cytogenetic location: 10q22.1.
Variant type: single nucleotide variant.
Coding change: c.8751C>T on transcript NM_022124.6 (MANE Select); coding-DNA position 8751, C replaced by T.
Protein change: p.Phe2917=; no amino-acid change (phenylalanine 2917 retained).
Molecular consequence: synonymous variant.
Genome position (GRCh38, 1-based): chr10:71,809,848, C>T. VCF-style: chr10-71809848-C-T. GRCh37 (hg19) VCF-style: chr10-73569605-C-T.
Other names: c.8751C>T (NM_022124.5); c.2031C>T, p.Phe677= (NM_001171933.1, NM_001171934.1).
Identifiers: ClinVar variation 1117936 (VCV001117936.10), dbSNP rs529713209, ClinGen allele CA5546743.

ClinVar aggregate classification (germline): Conflicting classifications of pathogenicity. Review status: criteria provided, conflicting classifications (1 of 4 stars). 2 submissions from 2 submitters: Uncertain significance (1); Likely benign (1). Last evaluated 2025-01-15.

Allele frequency attached by ClinVar (database versions not stated): TOPMed below 0.00001; ExAC 0.00001; gnomAD 0.00001; gnomAD exomes 0.00001; 1000 Genomes Project 30x 0.00016; 1000 Genomes Project 0.00020.
gnomAD v4.1: 7 of 1,613,308 alleles (0.00043%); highest among the groups gnomAD compares: Admixed American, 0.0033%; no homozygotes.

Submissions (2):

Labcorp Genetics (formerly Invitae), Labcorp
Classification: Likely benign. Last evaluated: 2025-01-15. Review status: criteria provided, single submitter. Criteria: Invitae Variant Classification Sherloc (09022015). Collection method: clinical testing. Allele origin: germline.

GeneDx
Classification: Uncertain significance. Last evaluated: 2024-06-25. Review status: criteria provided, single submitter. Criteria: GeneDx Variant Classification Process June 2021. Collection method: clinical testing. Allele origin: germline. Affected: yes.
Comment: Not observed at significant frequency in large population cohorts (gnomAD); Has not been previously published as pathogenic or benign to our knowledge; In silico analysis suggests this variant may impact gene splicing. In the absence of RNA/functional studies, the actual effect of this sequence change is unknown.